The following is an entry in ClinVar:

NM_014415.4(ZBTB11):c.957T>C (p.Tyr319=)

Gene: ZBTB11 (zinc finger and BTB domain containing 11; minus strand). Cytogenetic location: 3q12.3.
Variant type: single nucleotide variant.
Coding change: c.957T>C on transcript NM_014415.4 (MANE Select); coding-DNA position 957, T replaced by C.
Protein change: p.Tyr319=; no amino-acid change (tyrosine 319 retained).
Molecular consequence: synonymous variant.
Genome position (GRCh38, 1-based): chr3:101,665,630, A>G on the plus strand (T>C on the coding strand, the complement: ZBTB11 is on the minus strand). VCF-style: chr3-101665630-A-G. GRCh37 (hg19) VCF-style: chr3-101384474-A-G.
Identifiers: ClinVar variation 4875166 (VCV004875166.2).

ClinVar aggregate classification (germline): Likely benign (1 of 4 stars; one submission).

Submission:

CeGaT Center for Human Genetics Tuebingen
Classification: Likely benign. Last evaluated: 2026-06-01. Review status: criteria provided, single submitter. Criteria: CeGaT Center For Human Genetics Tuebingen Variant Classification Criteria Version 2. Collection method: clinical testing. Allele origin: germline. Affected: yes. Observed: 1 variant allele.
Comment: ZBTB11: BP4, BP7